The following is an entry in ClinVar:

ClinVar aggregate classification (germline): Likely benign (1 of 4 stars; one submission).

Submission:

CeGaT Center for Human Genetics Tuebingen
Classification: Likely benign. Last evaluated: 2026-03-01. Review status: criteria provided, single submitter. Criteria: CeGaT Center For Human Genetics Tuebingen Variant Classification Criteria Version 2. Collection method: clinical testing. Allele origin: germline. Affected: yes. Observed: 1 variant allele.
Comment: TGFBR1: PM2:Supporting, BP4, BP7

NM_004612.4(TGFBR1):c.69G>A (p.Ala23=)

Gene: TGFBR1 (transforming growth factor beta receptor 1; plus strand). Cytogenetic location: 9q22.33.
Variant type: single nucleotide variant.
Coding change: c.69G>A on transcript NM_004612.4 (MANE Select); coding-DNA position 69, G replaced by A.
Protein change: p.Ala23=; no amino-acid change (alanine 23 retained).
Molecular consequence: synonymous variant. On other transcripts: 5 prime UTR variant (5), non-coding transcript variant (4), intron variant (8).
Genome position (GRCh38, 1-based): chr9:99,105,274, G>A. VCF-style: chr9-99105274-G-A. GRCh37 (hg19) VCF-style: chr9-101867556-G-A.
Other names: c.69G>A, p.Ala23= (NM_001130916.3, NM_001306210.2, NM_001407416.1 and 5 more transcripts); c.-275G>A (NM_001407420.1, NM_001407429.1); c.-244G>A (NM_001407422.1, NM_001407426.1); c.-199G>A (NM_001407428.1); c.-111+1533G>A (NM_001407418.1, NM_001407423.1); c.-111+1168G>A (NM_001407424.1); c.-111+755G>A (NM_001407425.1); c.-111+548G>A (NM_001407434.1); and 2 more.
Identifiers: ClinVar variation 4823575 (VCV004823575.4).